The following is an entry in ClinVar:

NM_005726.6(TSFM):c.856C>T (p.Gln286Ter)

Gene: TSFM (Ts translation elongation factor, mitochondrial; plus strand). Cytogenetic location: 12q14.1.
Variant type: single nucleotide variant.
Coding change: c.856C>T on transcript NM_005726.6 (MANE Select); coding-DNA position 856, C replaced by T.
Protein change: p.Gln286Ter; replaces glutamine 286 with a stop codon.
Molecular consequence: nonsense. On other transcripts: 3 prime UTR variant (1), intron variant (1).
Genome position (GRCh38, 1-based): chr12:57,796,461, C>T. VCF-style: chr12-57796461-C-T. GRCh37 (hg19) VCF-style: chr12-58190244-C-T.
Other names: p.Gln307*; c.*264C>T (NM_001172695.2); c.919C>T, p.Gln307Ter (NM_001172696.2); c.571+3388C>T (NM_001172697.2); short protein forms Q286*, Q307*.
Identifiers: ClinVar variation 155718 (VCV000155718.98), dbSNP rs201754030, ClinGen allele CA170669.

ClinVar aggregate classification (germline): Pathogenic/Likely pathogenic. Review status: criteria provided, multiple submitters, no conflicts (2 of 4 stars). 14 submissions from 14 submitters: Pathogenic (6); Likely pathogenic (6). 2 of the submissions do not count toward it. Last evaluated 2026-09-24.

Conditions:
Fetal anomalies with a likely genetic cause.
TSFM-related disorder. Also called: TSFM-related condition.
Fatal mitochondrial disease due to combined oxidative phosphorylation defect type 3. Also called: Combined oxidative phosphorylation deficiency 3; ENCEPHALOMYOPATHY, RESPIRATORY FAILURE, AND LACTIC ACIDOSIS. Identifiers: Orphanet 168566, MedGen C1864840, MONDO:0012512, OMIM 610505.

Allele frequency attached by ClinVar (database versions not stated): TOPMed 0.00014; gnomAD exomes 0.00154 and 0.00063; ExAC 0.00155; ESP Exome Variant Server 0.00008; gnomAD 0.00127 and 0.00136.
gnomAD v4.1: 1,098 of 1,596,460 alleles (0.069%); highest among the groups gnomAD compares: Non-Finnish European, 0.021%; no homozygotes.

Submissions (14):

Genetics Laboratory, Great Ormond Street Hospital NHS Foundation Trust, North Thames Genomic Laboratory Hub
Classification: Likely pathogenic for Fetal anomalies with a likely genetic cause. Last evaluated: 2026-09-24. Review status: criteria provided, single submitter. Criteria: ACGS Best Practice Guidelines for Variant Classification in Rare Disease 2024 v1.2. Collection method: clinical testing. Allele origin: germline. Affected: yes.
Comment: PVS1_strong, PM3_moderate

Labcorp Genetics (formerly Invitae), Labcorp
Classification: Pathogenic. Last evaluated: 2026-01-20. Review status: criteria provided, single submitter. Criteria: Invitae Variant Classification Sherloc (09022015). Collection method: clinical testing. Allele origin: germline.
Comment: This sequence change creates a premature translational stop signal (p.Gln307*) in the TSFM gene. While this is not anticipated to result in nonsense mediated decay, it is expected to disrupt the last 40 amino acid(s) of the TSFM protein. This variant is present in population databases (rs201754030, gnomAD 1.4%), and has an allele count higher than expected for a pathogenic variant. This premature translational stop signal has been observed in individual(s) with clinical features of combined oxidative phosphorylation deficiency (PMID: 25037205, 33816677). It has also been observed to segregate with disease in related individuals. It is commonly reported in individuals of Finnish ancestry (PMID: 25078778). ClinVar contains an entry for this variant (Variation ID: 155718). This variant disrupts a region of the TSFM protein in which other variant(s) (p.Arg333Trp) have been determined to be pathogenic (PMID: 17033963, 20435138, 21741925, 22277967). This suggests that this is a clinically significant region of the protein, and that variants that disrupt it are likely to be disease-causing. For these reasons, this variant has been classified as Pathogenic.

Natera, Inc.
Classification: Likely pathogenic for Combined oxidative phosphorylation deficiency 3. Last evaluated: 2026-01-11. Review status: criteria provided, single submitter. Criteria: Natera Variant Classification Schema (03/2026). Collection method: clinical testing. Allele origin: germline.
Comment: The c.919C>T variant in TSFM is a nonsense variant predicted to introduce a stop codon at amino acid 307. This variant is expected to result in nonsense mediated decay, truncation, or a dysfunctional protein product. The frequency of this variant in the general population is greater than expected for disorder. This variant has been observed in one or more individuals affected with the associated recessive disease, as either homozygous or compound heterozygous with a second variant (PMID: 25037205, 33816677, 29261183). Additionally, this variant has been observed to segregate in affected family members (PMID: 25037205). Given the available evidence, this variant is classified as Likely Pathogenic.

GeneDx
Classification: Likely pathogenic. Last evaluated: 2025-08-04. Review status: criteria provided, single submitter. Criteria: GeneDx Variant Classification Process June 2021. Collection method: clinical testing. Allele origin: germline. Affected: yes.
Comment: Nonsense variant predicted to result in protein truncation, as the last 40 amino acid(s) are lost, and other loss-of-function variants have been reported; This variant is associated with the following publications: (PMID: 25078778, 21228398, 25037205, 31267352, 31589614, 34277617, 22277967, 21741925, 20435138, 17033963, 33816677)

Mayo Clinic Laboratories, Mayo Clinic
Classification: Likely pathogenic. Last evaluated: 2025-07-29. Review status: criteria provided, single submitter. Criteria: ACMG Guidelines, 2015. Collection method: clinical testing. Allele origin: germline. Observed: 1 variant allele.
Comment: PM2_supporting, PM3_supporting, PVS1_strong

CeGaT Center for Human Genetics Tuebingen
Classification: Pathogenic. Last evaluated: 2025-07-01. Review status: criteria provided, single submitter. Criteria: CeGaT Center For Human Genetics Tuebingen Variant Classification Criteria Version 2. Collection method: clinical testing. Allele origin: germline. Affected: yes. Observed: 2 variant alleles.
Comment: TSFM: PVS1, PM3, PM2:Supporting

PreventionGenetics, part of Exact Sciences
Classification: Pathogenic for TSFM-related condition. Last evaluated: 2025-03-05. Review status: criteria provided, single submitter. Criteria: ACMG Guidelines, 2015. Collection method: clinical testing. Allele origin: germline.
Comment: The TSFM c.919C>T variant is predicted to result in premature protein termination (p.Gln307*). This variant has been reported in the compound heterozygous state in multiple individuals with symptoms of combined oxidative phosphorylation deficiency (Ahola et al. 2014. PubMed ID: 25037205; Table S1, Witters et al. 2017. PubMed ID: 29261183; van Riesen et al. 2021. PubMed ID: 33816677). This variant is reported in 1.4% of alleles in individuals of European (Finnish) descent in gnomAD. This variant is commonly reported in individuals of Finnish ancestry (Lim et al. 2014. PubMed ID: 25078778). We classify this variant as pathogenic.

Laboratory of Genetics, Children's Clinical University Hospital Latvia
Classification: Pathogenic. Last evaluated: 2025-02-16. Review status: criteria provided, single submitter. Criteria: ACMG Guidelines, 2015. Collection method: clinical testing. Allele origin: germline. Affected: yes.

Blueprint Genetics
Classification: Likely pathogenic for TSFM-related disorders. Last evaluated: 2024-11-07. Review status: criteria provided, single submitter. Criteria: ACMG Guidelines, 2015. Collection method: clinical testing. Allele origin: germline. Affected: yes. Observed: 5 variant alleles.

Fulgent Genetics
Classification: Likely pathogenic for Fatal mitochondrial disease due to combined oxidative phosphorylation defect type 3. Last evaluated: 2024-04-19. Review status: criteria provided, single submitter. Criteria: ACMG Guidelines, 2015. Collection method: clinical testing. Allele origin: germline.

Victorian Clinical Genetics Services, Murdoch Childrens Research Institute
Classification: Pathogenic for Fatal mitochondrial disease due to combined oxidative phosphorylation defect type 3. Last evaluated: 2023-12-21. Review status: criteria provided, single submitter. Criteria: ACMG Guidelines, 2015. Collection method: clinical testing. Allele origin: germline. Inheritance: Autosomal recessive inheritance. Affected: yes.
Comment: Based on the classification scheme VCGS_Germline_v1.3.4, this variant is classified as Pathogenic. Following criteria are met: 0102 - Loss of function is a known mechanism of disease in this gene and is associated with combined oxidative phosphorylation deficiency 3 (MIM#610505). (I) 0106 - This gene is associated with autosomal recessive disease. (I) 0115 - Variants in this gene are known to have variable expressivity (OMIM). (I) 0205 - Variant is predicted to result in a truncated protein (premature termination codon is NOT located at least 54 nucleotides upstream of the final exon-exon junction) with less than 1/3 of the protein sequence affected. (SP) 0251 - This variant is heterozygous. (I) 0305 - Variant is present in gnomAD >=0.01 and <0.03 for a recessive condition (v2 & v3: 567 heterozygotes, 0 homozygotes). (I) 0704 - Another variant predicted to result in a truncated protein and located downstream to the one identified in this case has limited previous evidence for pathogenicity (DECIPHER). At least one protein truncating variant located downstream has been reported likely pathogenic by multiple diagnostic laboratories in ClinVar. (SP) 0801 - This variant has strong previous evidence of pathogenicity in unrelated individuals. The variant has been previously reported in patients with combined oxidative phosphorylation deficiency 3 (MIM#610505) (ClinVar; Cardiomyopathy database; PMIDs: 25037205, 29261183). (SP) 1001 - This variant has strong functional evidence supporting abnormal protein function. Molecular modeling predicted the coding-region mutations to cause protein instability, which was experimentally confirmed in cultured patient cells, with mitochondrial translation defect and lacking EFTs (PMID: 25037205). (SP) 1102 - Strong phenotype match for this individual. (SP) 1201 - Heterozygous variant detected in trans with a likely pathogenic heterozygous variant (NM_005726.5(TSFM):c.774G>C; p.(Gln258His)) in a recessive disease. (I) Legend: (SP) - Supporting pathogenic, (I) - Information, (SB) - Supporting benign

Women's Health and Genetics/Laboratory Corporation of America, LabCorp
Classification: Pathogenic for Fatal mitochondrial disease due to combined oxidative phosphorylation defect type 3. Last evaluated: 2022-07-08. Review status: criteria provided, single submitter. Criteria: LabCorp Variant Classification Summary - May 2015. Collection method: clinical testing. Allele origin: germline.
Comment: Variant summary: TSFM c.919C>T (p.Gln307X) results in a premature termination codon, predicted to cause a truncation of the encoded protein or absence of the protein due to nonsense mediated decay. The variant allele was found at a frequency of 0.0015 in 232740 control chromosomes. Specifically, the variant has a high carrier frequency in the Finnish population (294/20428 Finnish alleles in gnomad). Despite the relatively high carrier frequency, the variant was not found in homozygous indivuals in Finnish control populations (including gnomad), suggesting that complete loss of TSFM might result in embryonic lethality or severe childhood diseases in humans (Lim_2014). c.919C>T has been reported in the compound heterozygous state in the literature in individuals affected with juvenile-onset Leigh disease, ataxia, neuropathy, and optic atrophy, including a family with two affected siblings in which the variant co-segregated with disease (Ahola_2014). Additionally, the variant was reported in the compound heterozygous state in a patient with Early-Onset Complex Chorea without Basal Ganglia Lesions (vanRiesen_2021). These data indicate that the variant is likely to be associated with disease. Four clinical diagnostic laboratories have submitted clinical-significance assessments for this variant to ClinVar after 2014 without evidence for independent evaluation. Three submitters classified the variant as pathogenic/likely pathogenic while one classified as benign. Based on the evidence outlined above, the variant was classified as pathogenic.

Reproductive Health Research and Development, BGI Genomics
Classification: Pathogenic for Combined oxidative phosphorylation deficiency 3. Last evaluated: 2020-01-06. Review status: no assertion criteria provided. Collection method: curation. Allele origin: germline. Not counted in ClinVar's aggregate classification.
Comment: NM_001172696.1:c.919C>T in the TSFM gene has an allele frequency of 0.014 in European(Finnish) subpopulation in the gnomAD database.This variant is predicted to cause loss of normal protein function either through protein truncation or nonsense-mediated mRNA decay. It was detected in individual with autosomal recessive infantile-onset mitochondrial cardiomyopathy, compound heterozygous with c.944G>A (PMID: 25037205). Co-segregation evidence was observed in a pedigree, two patients were affected and one sibling unaffected (PMID: 25037205). Taken together, we interprete this variant as Pathogenic/Likely pathogenic. ACMG/AMP criteria applied: PVS1; PM3; PP1.

OMIM
Classification: Pathogenic for COMBINED OXIDATIVE PHOSPHORYLATION DEFICIENCY 3. Last evaluated: 2014-08-19. Review status: no assertion criteria provided. Collection method: literature only. Allele origin: germline. Not counted in ClinVar's aggregate classification.

Literature cited by the submitters: PubMed 25037205 (cited by 6 submitters); PubMed 33816677 (cited by 4 submitters); PubMed 25078778 (cited by Labcorp Genetics (formerly Invitae), Labcorp and Mayo Clinic Laboratories, Mayo Clinic); PubMed 17033963 (cited by Labcorp Genetics (formerly Invitae), Labcorp); PubMed 20435138 (cited by Labcorp Genetics (formerly Invitae), Labcorp); PubMed 21741925 (cited by Labcorp Genetics (formerly Invitae), Labcorp); PubMed 22277967 (cited by Labcorp Genetics (formerly Invitae), Labcorp); PubMed 29261183 (cited by Natera, Inc. and Victorian Clinical Genetics Services, Murdoch Childrens Research Institute); PubMed 21228398 (cited by Mayo Clinic Laboratories, Mayo Clinic); PubMed 31589614 (cited by Mayo Clinic Laboratories, Mayo Clinic).